The following is an entry in ClinVar:

NM_001348768.2(HECW2):c.3084G>A (p.Ala1028=)

Gene: HECW2 (HECT, C2 and WW domain containing E3 ubiquitin protein ligase 2; minus strand). Cytogenetic location: 2q32.3.
Variant type: single nucleotide variant.
Coding change: c.3084G>A on transcript NM_001348768.2 (MANE Select); coding-DNA position 3084, G replaced by A.
Protein change: p.Ala1028=; no amino-acid change (alanine 1028 retained).
Molecular consequence: synonymous variant.
Genome position (GRCh38, 1-based): chr2:196,278,579, C>T on the plus strand (G>A on the coding strand, the complement: HECW2 is on the minus strand). VCF-style: chr2-196278579-C-T. GRCh37 (hg19) VCF-style: chr2-197143303-C-T.
Other names: c.2016G>A, p.Ala672= (NM_001304840.3); c.3084G>A, p.Ala1028= (NM_020760.4).
Identifiers: ClinVar variation 730982 (VCV000730982.29), dbSNP rs142324528, ClinGen allele CA2037874.

ClinVar aggregate classification (germline): Likely benign. Review status: criteria provided, multiple submitters, no conflicts (2 of 4 stars). 4 submissions from 4 submitters: Likely benign (4). Last evaluated 2025-12-19.

Conditions:
HECW2-related disorder. Also called: HECW2-related condition.

Allele frequency attached by ClinVar (database versions not stated): 1000 Genomes Project 30x 0.00047; ExAC 0.00050; TOPMed 0.00052; gnomAD 0.00053; ESP Exome Variant Server 0.00054; 1000 Genomes Project 0.00060.
gnomAD v4.1: 1,152 of 1,614,086 alleles (0.071%); highest among the groups gnomAD compares: Non-Finnish European, 0.092%; no homozygotes.

Submissions (4):

PreventionGenetics, part of Exact Sciences
Classification: Likely benign for HECW2-related condition. Last evaluated: 2025-12-19. Review status: criteria provided, single submitter. Criteria: ACMG Guidelines, 2015. Collection method: clinical testing. Allele origin: germline.
Comment: This variant is classified as likely benign based on ACMG/AMP sequence variant interpretation guidelines (Richards et al. 2015 PMID: 25741868, with internal and published modifications).

Blueprint Genetics
Classification: Likely benign. Last evaluated: 2024-11-05. Review status: criteria provided, single submitter. Criteria: ACMG Guidelines, 2015. Collection method: clinical testing. Allele origin: germline.

CeGaT Center for Human Genetics Tuebingen
Classification: Likely benign. Last evaluated: 2024-03-01. Review status: criteria provided, single submitter. Criteria: CeGaT Center For Human Genetics Tuebingen Variant Classification Criteria Version 2. Collection method: clinical testing. Allele origin: germline. Affected: yes. Observed: 3 variant alleles.
Comment: HECW2: BP4, BP7

Labcorp Genetics (formerly Invitae), Labcorp
Classification: Likely benign. Last evaluated: 2019-01-10. Review status: criteria provided, single submitter. Criteria: Invitae Variant Classification Sherloc (09022015). Collection method: clinical testing. Allele origin: germline.